The following is an entry in ClinVar:

ClinVar aggregate classification (germline): Uncertain significance (1 of 4 stars; one submission).

Conditions:
Giant axonal neuropathy 1 (GAN1). Also called: GIANT AXONAL NEUROPATHY 1, AUTOSOMAL RECESSIVE; GAN-Related Neurodegeneration. Identifiers: Orphanet 643, MedGen C1850386, MONDO:0009749, OMIM 256850.

Submission:

Labcorp Genetics (formerly Invitae), Labcorp
Classification: Uncertain significance for Giant axonal neuropathy 1. Last evaluated: 2021-08-23. Review status: criteria provided, single submitter. Criteria: Invitae Variant Classification Sherloc (09022015). Collection method: clinical testing. Allele origin: germline.
Comment: In summary, the available evidence is currently insufficient to determine the role of this variant in disease. Therefore, it has been classified as a Variant of Uncertain Significance. Experimental studies and prediction algorithms are not available or were not evaluated, and the functional significance of this variant is currently unknown. This variant has not been reported in the literature in individuals affected with GAN-related conditions. This variant results in a copy number gain of the genomic region encompassing exon(s) 6-11 of the GAN gene. This region includes the termination codon of the gene. This copy number gain extends beyond the assayed region for this gene and therefore may encompass additional genes. As the precise location of this event is unknown, it may be in tandem or it may be located elsewhere in the genome.

NC_000016.9:g.(?_81396084)_(81411201_?)dup

Gene: GAN (gigaxonin; plus strand). Cytogenetic location: 16q23.2.
Variant type: Duplication.
Identifiers: ClinVar variation 1441290 (VCV001441290.4).